The following is an entry in ClinVar:

ClinVar aggregate classification (germline): Conflicting classifications of pathogenicity. Review status: criteria provided, conflicting classifications (1 of 4 stars). 3 submissions from 3 submitters: Uncertain significance (1); Benign (1). 1 of the submissions does not count toward it. Last evaluated 2025-08-08.

Conditions:
TJP1-related disorder. Also called: TJP1-related condition.

Allele frequency attached by ClinVar (database versions not stated): gnomAD exomes 0.00029 and 0.00067; ExAC 0.00083; 1000 Genomes Project 30x 0.00172; 1000 Genomes Project 0.00220; gnomAD 0.00276 and 0.00297; TOPMed 0.00294; ESP Exome Variant Server 0.00343.
gnomAD v4.1: 859 of 1,614,156 alleles (0.053%); highest among the groups gnomAD compares: African/African-American, 0.94%; 3 homozygotes.

Submissions (3):

Ambry Genetics
Classification: Uncertain significance. Last evaluated: 2025-08-08. Review status: criteria provided, single submitter. Criteria: Ambry Variant Classification Scheme 2023. Collection method: clinical testing. Allele origin: germline.

Labcorp Genetics (formerly Invitae), Labcorp
Classification: Benign. Last evaluated: 2018-07-31. Review status: criteria provided, single submitter. Criteria: Invitae Variant Classification Sherloc (09022015). Collection method: clinical testing. Allele origin: germline.

PreventionGenetics, part of Exact Sciences
Classification: Benign for TJP1-related condition. Last evaluated: 2019-06-05. Review status: no assertion criteria provided. Collection method: clinical testing. Allele origin: germline. Not counted in ClinVar's aggregate classification.
Comment: This variant is classified as benign based on ACMG/AMP sequence variant interpretation guidelines (Richards et al. 2015 PMID: 25741868, with internal and published modifications).

NM_001330239.4(TJP1):c.2933G>A (p.Ser978Asn)

Gene: TJP1 (tight junction protein 1; minus strand). Cytogenetic location: 15q13.1.
Variant type: single nucleotide variant.
Coding change: c.2933G>A on transcript NM_001330239.4 (MANE Select); coding-DNA position 2933, G replaced by A.
Protein change: p.Ser978Asn; replaces serine 978 with asparagine.
Molecular consequence: missense variant. On other transcripts: intron variant (3).
Genome position (GRCh38, 1-based): chr15:29,719,847, C>T on the plus strand (G>A on the coding strand, the complement: TJP1 is on the minus strand). VCF-style: chr15-29719847-C-T. GRCh37 (hg19) VCF-style: chr15-30012051-C-T.
Other names: c.3212G>A, p.Ser1071Asn (NM_001301025.3, NM_001355012.2); c.2945G>A, p.Ser982Asn (NM_001355013.1); c.2933G>A, p.Ser978Asn (NM_001355014.2, NM_003257.5); c.2763+511G>A (NM_175610.4, NM_001355015.2); c.2775+511G>A (NM_001301026.2); c.2933G>A (NM_003257.3); c.3212G>A (NM_001355012.1); short protein forms S1071N, S978N, S982N.
Identifiers: ClinVar variation 714590 (VCV000714590.6), dbSNP rs191973706, ClinGen allele CA7446910.